The following is an entry in ClinVar:

NM_002528.7(NTHL1):c.721C>T (p.Leu241=)

Gene: NTHL1 (nth like DNA glycosylase 1; minus strand). Cytogenetic location: 16p13.3.
Variant type: single nucleotide variant.
Coding change: c.721C>T on transcript NM_002528.7 (MANE Select); coding-DNA position 721, C replaced by T.
Protein change: p.Leu241=; no amino-acid change (leucine 241 retained).
Molecular consequence: synonymous variant.
Genome position (GRCh38, 1-based): chr16:2,040,203, G>A on the plus strand (C>T on the coding strand, the complement: NTHL1 is on the minus strand). VCF-style: chr16-2040203-G-A. GRCh37 (hg19) VCF-style: chr16-2090204-G-A.
Other names: c.550C>T, p.Leu184= (NM_001318193.2); c.391C>T, p.Leu131= (NM_001318194.2); c.745C>T (NM_002528.5).
Identifiers: ClinVar variation 3019902 (VCV003019902.4), dbSNP rs2084243437, ClinGen allele CA492950240.

ClinVar aggregate classification (germline): Conflicting classifications of pathogenicity. Review status: criteria provided, conflicting classifications (1 of 4 stars). 2 submissions from 2 submitters: Uncertain significance (1); Likely benign (1). Last evaluated 2025-03-12.

Conditions:
Hereditary cancer-predisposing syndrome. Also called: Tumor predisposition; Hereditary neoplastic syndrome; Hereditary Cancer Syndrome; Neoplastic Syndromes, Hereditary. Identifiers: Orphanet 140162, MedGen C0027672, MeSH D009386, MONDO:0015356.

Allele frequency attached by ClinVar (database versions not stated): TOPMed below 0.00001.

Submissions (2):

Ambry Genetics
Classification: Uncertain significance for Hereditary cancer-predisposing syndrome. Last evaluated: 2025-03-12. Review status: criteria provided, single submitter. Criteria: Ambry Variant Classification Scheme 2023. Collection method: clinical testing. Allele origin: germline.
Comment: The c.745C>T variant (also known as p.L249L), located in coding exon 5 of the NTHL1 gene, results from a C to T substitution at nucleotide position 745. This nucleotide substitution does not change the amino acid at codon 249. This nucleotide position is well conserved in available vertebrate species. In silico splice site analysis for this alteration is inconclusive. Based on the available evidence, the clinical significance of this variant remains unclear.

Labcorp Genetics (formerly Invitae), Labcorp
Classification: Likely benign. Last evaluated: 2024-05-20. Review status: criteria provided, single submitter. Criteria: Invitae Variant Classification Sherloc (09022015). Collection method: clinical testing. Allele origin: germline.